The following is an entry in ClinVar:

ClinVar aggregate classification (germline): Uncertain significance (1 of 4 stars; one submission).

Conditions:
Inborn genetic diseases. Identifiers: MedGen C0950123, MeSH D030342.

Allele frequency attached by ClinVar (database versions not stated): gnomAD exomes 0.00001.
gnomAD v4.1: 4 of 321,312 alleles (0.0012%); highest among the groups gnomAD compares: Non-Finnish European, 0.00098%; no homozygotes.

Submission:

Ambry Genetics
Classification: Uncertain significance for Inborn genetic diseases. Last evaluated: 2021-04-08. Review status: criteria provided, single submitter. Criteria: Ambry Variant Classification Scheme 2023. Collection method: clinical testing. Allele origin: germline.
Comment: The c.267+5T>C intronic variant results from a T to C substitution 5 nucleotides after coding exon 1 in the SCN11A gene. This nucleotide position is not well conserved in available vertebrate species. In silico splice site analysis predicts that this alteration will not have any significant effect on splicing. Since supporting evidence is limited at this time, the clinical significance of this alteration remains unclear.

NM_001349253.2(SCN11A):c.267+5T>C

Gene: SCN11A (sodium voltage-gated channel alpha subunit 11; minus strand). Cytogenetic location: 3p22.2.
Variant type: single nucleotide variant.
Coding change: c.267+5T>C on transcript NM_001349253.2 (MANE Select); 5 bases into the intron after coding-DNA position 267, T replaced by C.
Molecular consequence: intron variant.
Genome position (GRCh38, 1-based): chr3:38,950,091, A>G on the plus strand (T>C on the coding strand, the complement: SCN11A is on the minus strand). VCF-style: chr3-38950091-A-G. GRCh37 (hg19) VCF-style: chr3-38991582-A-G.
Other names: c.267+5T>C (NM_014139.3).
Identifiers: ClinVar variation 1794543 (VCV001794543.2), dbSNP rs2125577059, ClinGen allele CA2571816823.